The following is an entry in ClinVar:

ClinVar aggregate classification (germline): Uncertain significance (1 of 4 stars; one submission).

Conditions:
Intellectual developmental disorder, autosomal dominant 1. Also called: Intellectual disability, autosomal dominant 1; MBD5 Haploinsufficiency. Identifiers: Orphanet 228402, MedGen C1969562, MONDO:0007974, OMIM 156200.

Allele frequency attached by ClinVar (database versions not stated): gnomAD exomes below 0.00001; TOPMed 0.00002; gnomAD 0.00003.
gnomAD v4.1: 5 of 1,613,836 alleles (0.00031%); highest among the groups gnomAD compares: African/African-American, 0.0067%; no homozygotes.

Submission:

Labcorp Genetics (formerly Invitae), Labcorp
Classification: Uncertain significance for Intellectual developmental disorder, autosomal dominant 1. Last evaluated: 2023-02-27. Review status: criteria provided, single submitter. Criteria: Invitae Variant Classification Sherloc (09022015). Collection method: clinical testing. Allele origin: germline.
Comment: ClinVar contains an entry for this variant (Variation ID: 581611). In summary, the available evidence is currently insufficient to determine the role of this variant in disease. Therefore, it has been classified as a Variant of Uncertain Significance. Advanced modeling of protein sequence and biophysical properties (such as structural, functional, and spatial information, amino acid conservation, physicochemical variation, residue mobility, and thermodynamic stability) performed at Invitae indicates that this missense variant is not expected to disrupt MBD5 protein function. This variant has not been reported in the literature in individuals affected with MBD5-related conditions. This variant is present in population databases (no rsID available, gnomAD 0.007%). This sequence change replaces alanine, which is neutral and non-polar, with glutamic acid, which is acidic and polar, at codon 874 of the MBD5 protein (p.Ala874Glu).

NM_001378120.1(MBD5):c.2621C>A (p.Ala874Glu)

Gene: MBD5 (methyl-CpG binding domain protein 5; plus strand). Cytogenetic location: 2q23.1.
Variant type: single nucleotide variant.
Coding change: c.2621C>A on transcript NM_001378120.1 (MANE Select); coding-DNA position 2621, C replaced by A.
Protein change: p.Ala874Glu; replaces alanine 874 with glutamic acid.
Molecular consequence: missense variant.
Genome position (GRCh38, 1-based): chr2:148,483,212, C>A. VCF-style: chr2-148483212-C-A. GRCh37 (hg19) VCF-style: chr2-149240781-C-A.
Other names: c.2621C>A, p.Ala874Glu (NM_018328.5); short protein forms A874E.
Identifiers: ClinVar variation 581611 (VCV000581611.9), dbSNP rs907317201, ClinGen allele CA57592790.